The following is an entry in ClinVar:

ClinVar aggregate classification (germline): Pathogenic (1 of 4 stars; one submission).

Submission:

Labcorp Genetics (formerly Invitae), Labcorp
Classification: Pathogenic. Last evaluated: 2025-11-27. Review status: criteria provided, single submitter. Criteria: Invitae Variant Classification Sherloc (09022015). Collection method: clinical testing. Allele origin: germline.
Comment: This sequence change creates a premature translational stop signal (p.Phe696Serfs*11) in the LZTR1 gene. It is expected to result in an absent or disrupted protein product. Loss-of-function variants in LZTR1 are known to be pathogenic (PMID: 24362817, 25335493, 25480913, 25795793, 29469822, 30368668, 30442762, 30442766, 30481304, 30859559). This variant is not present in population databases (gnomAD no frequency). This variant has not been reported in the literature in individuals affected with LZTR1-related conditions. For these reasons, this variant has been classified as Pathogenic.

Literature cited by the submitters: PubMed 24362817; PubMed 25335493; PubMed 25480913; PubMed 25795793; PubMed 29469822; PubMed 30368668; PubMed 30442762; PubMed 30442766; PubMed 30481304; PubMed 30859559.

NM_006767.4(LZTR1):c.2087del (p.Phe696fs)

Gene: LZTR1 (leucine zipper like post translational regulator 1; plus strand). Cytogenetic location: 22q11.21.
Variant type: Deletion.
Coding change: c.2087del on transcript NM_006767.4 (MANE Select); coding-DNA position 2087, one base deleted (T; older notation c.2087delT).
Protein change: p.Phe696fs; shifts the reading frame from phenylalanine 696.
Molecular consequence: frameshift variant.
Genome position (GRCh38, 1-based): chr22:20,995,980, T deleted; the last of 2 consecutive T bases (chr22:20,995,979-20,995,980); deleting either gives the same sequence. VCF-style (leftmost placement, unchanged base first): chr22-20995978-GT-G. GRCh37 (hg19) VCF-style: chr22-21350267-GT-G.
Other names: short protein forms F696fs.
Identifiers: ClinVar variation 4732117 (VCV004732117.1).